The following is an entry in ClinVar:

ClinVar aggregate classification (germline): Pathogenic. Review status: criteria provided, multiple submitters, no conflicts (2 of 4 stars). 2 submissions from 2 submitters: Pathogenic (2). Last evaluated 2025-06-26.

Conditions:
Hereditary cancer-predisposing syndrome. Also called: Neoplastic Syndromes, Hereditary; Hereditary neoplastic syndrome; Tumor predisposition; Hereditary Cancer Syndrome. Identifiers: Orphanet 140162, MedGen C0027672, MeSH D009386, MONDO:0015356.
Familial cancer of breast. Also called: hereditary breast carcinoma; Hereditary breast cancer; BREAST CANCER, FAMILIAL. Identifiers: Orphanet 227535, MedGen C0346153, MONDO:0016419, OMIM 114480. Disease mechanism: loss of function.

Submissions (2):

Ambry Genetics
Classification: Pathogenic for Hereditary cancer-predisposing syndrome. Last evaluated: 2025-06-26. Review status: criteria provided, single submitter. Criteria: Ambry Variant Classification Scheme 2023. Collection method: clinical testing. Allele origin: germline.
Comment: The c.8624dupA pathogenic mutation, located in coding exon 58 of the ATM gene, results from a duplication of A at nucleotide position 8624, causing a translational frameshift with a predicted alternate stop codon (p.N2875Kfs*6). This alteration is expected to result in loss of function by premature protein truncation or nonsense-mediated mRNA decay. As such, this alteration is interpreted as a disease-causing mutation.

Myriad Genetics, Inc.
Classification: Pathogenic for Familial cancer of breast. Last evaluated: 2024-02-05. Review status: criteria provided, single submitter. Criteria: Myriad Autosomal Dominant, Autosomal Recessive and X-Linked Classification Criteria (2023). Collection method: clinical testing. Allele origin: unknown.
Comment: This variant is considered pathogenic. This variant creates a frameshift predicted to result in premature protein truncation.

Literature cited by the submitters: PubMed 22006793 (cited by Ambry Genetics).

NM_000051.4(ATM):c.8624dup (p.Asn2875fs)

Genes: ATM (ATM serine/threonine kinase; plus strand), C11orf65 (chromosome 11 open reading frame 65; minus strand). Cytogenetic location: 11q22.3.
Variant type: Duplication.
Coding change: c.8624dup on transcript NM_000051.4 (MANE Select); coding-DNA position 8624, one base duplicated (A; older notation c.8624dupA).
Protein change: p.Asn2875fs; shifts the reading frame from asparagine 2875.
Molecular consequence: frameshift variant. On other transcripts: intron variant (2).
Genome position (GRCh38, 1-based): chr11:108,347,318, A duplicated; the last of 2 consecutive A bases (chr11:108,347,317-108,347,318); duplicating either gives the same sequence. VCF-style (leftmost placement, unchanged base first): chr11-108347316-G-GA. GRCh37 (hg19) VCF-style: chr11-108218043-G-GA.
Other names: c.8624dupA (NM_000051.3); c.8624dup, p.Asn2875fs (NM_001351834.2); c.641-38246dup (NM_001330368.2); c.695-12025dup (NM_001351110.2); short protein forms N2875fs.
Identifiers: ClinVar variation 233443 (VCV000233443.8), dbSNP rs876660411, ClinGen allele CA10579310.
Genomic context (GRCh38, chr11:108,347,316, plus strand): 5'-TTGTTTGTTTCTTTTTTCTCCAGTTGGTTACATACTTGGACTTGGTGATAGACATGTACA[G>GA]AATATCTTGATAAATGAGCAGTCAGCAGAACTTGTACATATAGATCTAGGTAAGTAATAA-3'